The following is an entry in ClinVar:

NM_000400.4(ERCC2):c.1090C>T (p.Arg364Cys)

Gene: ERCC2 (ERCC excision repair 2, TFIIH core complex helicase subunit; minus strand). Cytogenetic location: 19q13.32.
Variant type: single nucleotide variant.
Coding change: c.1090C>T on transcript NM_000400.4 (MANE Select); coding-DNA position 1090, C replaced by T.
Protein change: p.Arg364Cys; replaces arginine 364 with cysteine.
Molecular consequence: missense variant.
Genome position (GRCh38, 1-based): chr19:45,363,771, G>A on the plus strand (C>T on the coding strand, the complement: ERCC2 is on the minus strand). VCF-style: chr19-45363771-G-A. GRCh37 (hg19) VCF-style: chr19-45867029-G-A.
Other names: c.1018C>T, p.Arg340Cys (NM_001130867.2); short protein forms R340C, R364C.
Identifiers: ClinVar variation 1326826 (VCV001326826.8), dbSNP rs367741538, ClinGen allele CA9513547.
Genomic context (GRCh38, chr19:45,363,771, plus strand): 5'-GCCCCCACCCCGCGCGCTGTCTGGGGCCGCACCTGAGGGGCTTGCGCTGGATGCACACGC[G>A]CTGGGCCAGGCCGCTCAGGAAGGCGGGCGGGCTCTCCTGCACCACATGCTGCACACGCAG-3'
Protein context (NP_000391.1, residues 354-374): PPAFLSGLAQ[Arg364Cys]VCIQRKPLRF

ClinVar aggregate classification (germline): Uncertain significance. Review status: criteria provided, multiple submitters, no conflicts (2 of 4 stars). 4 submissions from 4 submitters: Uncertain significance (4). Last evaluated 2025-08-12.

Conditions:
ERCC2-related disorder. Also called: ERCC2-related disorders; ERCC2-related conditions; ERCC2-related condition. Identifiers: MedGen CN239291.
Inborn genetic diseases. Identifiers: MedGen C0950123, MeSH D030342.

Allele frequency attached by ClinVar (database versions not stated): gnomAD 0.00003; gnomAD exomes 0.00003 and 0.00004; TOPMed 0.00005; ExAC 0.00008; ESP Exome Variant Server 0.00008.
gnomAD v4.1: 57 of 1,536,992 alleles (0.0037%); highest among the groups gnomAD compares: Non-Finnish European, 0.0045%; no homozygotes.

Submissions (5):

PreventionGenetics, part of Exact Sciences
Classification: Uncertain significance for ERCC2-related condition. Last evaluated: 2025-08-12. Review status: criteria provided, single submitter. Criteria: ACMG Guidelines, 2015. Collection method: clinical testing. Allele origin: germline.
Comment: The ERCC2 c.1090C>T variant is predicted to result in the amino acid substitution p.Arg364Cys. To our knowledge, this variant has not been reported in the literature. This variant is reported in 0.013% of alleles in individuals of African descent in gnomAD. At this time, the clinical significance of this variant is uncertain due to the absence of conclusive functional and genetic evidence.

Ambry Genetics
Classification: Uncertain significance for Inborn genetic diseases. Last evaluated: 2023-02-24. Review status: criteria provided, single submitter. Criteria: Ambry Variant Classification Scheme 2023. Collection method: clinical testing. Allele origin: germline.
Comment: The p.R364C variant (also known as c.1090C>T), located in coding exon 11 of the ERCC2 gene, results from a C to T substitution at nucleotide position 1090. The arginine at codon 364 is replaced by cysteine, an amino acid with highly dissimilar properties. This amino acid position is conserved. In addition, the in silico prediction for this alteration is inconclusive. Since supporting evidence is limited at this time, the clinical significance of this alteration remains unclear.

Labcorp Genetics (formerly Invitae), Labcorp
Classification: Uncertain significance. Last evaluated: 2021-10-31. Review status: criteria provided, single submitter. Criteria: Invitae Variant Classification Sherloc (09022015). Collection method: clinical testing. Allele origin: germline.
Comment: This sequence change replaces arginine, which is basic and polar, with cysteine, which is neutral and slightly polar, at codon 364 of the ERCC2 protein (p.Arg364Cys). The frequency data for this variant in the population databases is considered unreliable, as metrics indicate poor data quality at this position in the gnomAD database. This variant has not been reported in the literature in individuals affected with ERCC2-related conditions. Algorithms developed to predict the effect of missense changes on protein structure and function are either unavailable or do not agree on the potential impact of this missense change (SIFT: "Deleterious"; PolyPhen-2: "Benign"; Align-GVGD: "Class C0"). Algorithms developed to predict the effect of sequence changes on RNA splicing suggest that this variant may create or strengthen a splice site. In summary, the available evidence is currently insufficient to determine the role of this variant in disease. Therefore, it has been classified as a Variant of Uncertain Significance.

GeneDx
Classification: Uncertain significance. Last evaluated: 2021-05-27. Review status: criteria provided, single submitter. Criteria: GeneDx Variant Classification Process June 2021. Collection method: clinical testing. Allele origin: germline. Affected: yes.
Comment: In silico analysis supports that this missense variant has a deleterious effect on protein structure/function; Has not been previously published as pathogenic or benign to our knowledge

Dr. Peter K. Rogan Lab, Western University
No classification provided (evidence only). Condition: Malignant tumor of esophagus. Review status: no classification provided. Collection method: in vitro. Allele origin: not applicable. Functional consequence: retained intron. Not counted in ClinVar's aggregate classification.